The following is an entry in ClinVar:

NM_001004127.3(ALG11):c.933G>A (p.Pro311=)

Gene: ALG11 (ALG11 alpha-1,2-mannosyltransferase; plus strand). Cytogenetic location: 13q14.3.
Variant type: single nucleotide variant.
Coding change: c.933G>A on transcript NM_001004127.3 (MANE Select); coding-DNA position 933, G replaced by A.
Protein change: p.Pro311=; no amino-acid change (proline 311 retained).
Molecular consequence: synonymous variant.
Genome position (GRCh38, 1-based): chr13:52,024,663, G>A. VCF-style: chr13-52024663-G-A. GRCh37 (hg19) VCF-style: chr13-52598799-G-A.
Other names: p.Pro311=.
Identifiers: ClinVar variation 312413 (VCV000312413.18), dbSNP rs61958802, ClinGen allele CA6989991.

ClinVar aggregate classification (germline): Benign. Review status: criteria provided, multiple submitters, no conflicts (2 of 4 stars). 6 submissions from 6 submitters: Benign (5). 1 of the submissions does not count toward it. Last evaluated 2026-01-27.

Conditions:
ALG11-congenital disorder of glycosylation. Also called: CONGENITAL DISORDER OF GLYCOSYLATION, TYPE Ip; ALG11-CDG. Identifiers: Orphanet 280071, MedGen C3150913, MONDO:0013349, OMIM 613661.
ALG11-related disorder. Also called: ALG11-related condition.

Allele frequency attached by ClinVar (database versions not stated): 1000 Genomes Project 30x 0.02983; 1000 Genomes Project 0.03015; TOPMed 0.03154; gnomAD 0.03255 and 0.03455; ESP Exome Variant Server 0.03621; gnomAD exomes 0.04246 and 0.04622; ExAC 0.04430.
gnomAD v4.1: 72,797 of 1,613,952 alleles (4.5%); highest among the groups gnomAD compares: South Asian, 9%; 1,975 homozygotes.

Submissions (6):

Labcorp Genetics (formerly Invitae), Labcorp
Classification: Benign for ALG11-congenital disorder of glycosylation. Last evaluated: 2026-01-27. Review status: criteria provided, single submitter. Criteria: Invitae Variant Classification Sherloc (09022015). Collection method: clinical testing. Allele origin: germline.

Mayo Clinic Laboratories, Mayo Clinic
Classification: Benign. Last evaluated: 2019-01-02. Review status: criteria provided, single submitter. Criteria: ACMG Guidelines, 2015. Collection method: clinical testing. Allele origin: germline. Observed: 4 variant alleles.

Illumina Laboratory Services, Illumina
Classification: Benign for ALG11-congenital disorder of glycosylation. Last evaluated: 2018-01-12. Review status: criteria provided, single submitter. Criteria: ICSL Variant Classification Criteria 13 December 2019. Collection method: clinical testing. Allele origin: germline.
Comment: This variant was observed in the ICSL laboratory as part of a predisposition screen in an ostensibly healthy population. It had not been previously curated by ICSL or reported in the Human Gene Mutation Database (HGMD: prior to June 1st, 2018), and was therefore a candidate for classification through an automated scoring system. Utilizing variant allele frequency, disease prevalence and penetrance estimates, and inheritance mode, an automated score was calculated to assess if this variant is too frequent to cause the disease. Based on the score and internal cut-off values, a variant classified as benign is not then subjected to further curation. The score for this variant resulted in a classification of benign for this disease.

GeneDx
Classification: Benign. Last evaluated: 2015-12-22. Review status: criteria provided, single submitter. Criteria: GeneDx Variant Classification (06012015). Collection method: clinical testing. Allele origin: germline. Affected: yes.
Comment: This variant is considered likely benign or benign based on one or more of the following criteria: it is a conservative change, it occurs at a poorly conserved position in the protein, it is predicted to be benign by multiple in silico algorithms, and/or has population frequency not consistent with disease.

Breakthrough Genomics
Classification: Benign. Review status: criteria provided, single submitter. Criteria: ACMG Guidelines, 2015. Collection method: not provided. Allele origin: germline. Inheritance: Autosomal recessive inheritance. Affected: yes.

PreventionGenetics, part of Exact Sciences
Classification: Benign for ALG11-related condition. Last evaluated: 2019-05-22. Review status: no assertion criteria provided. Collection method: clinical testing. Allele origin: germline. Not counted in ClinVar's aggregate classification.
Comment: This variant is classified as benign based on ACMG/AMP sequence variant interpretation guidelines (Richards et al. 2015 PMID: 25741868, with internal and published modifications).